The following is an entry in ClinVar:

ClinVar aggregate classification (germline): Conflicting classifications of pathogenicity. Review status: criteria provided, conflicting classifications (1 of 4 stars). 4 submissions from 4 submitters: Uncertain significance (3); Likely benign (1). Last evaluated 2024-07-28.

Conditions:
Familial pancreatic carcinoma. Identifiers: Orphanet 1333, MedGen C2931038, MONDO:0015278, OMIM 260350.
Hereditary cancer-predisposing syndrome. Also called: Tumor predisposition; Hereditary neoplastic syndrome; Neoplastic Syndromes, Hereditary; Hereditary Cancer Syndrome. Identifiers: Orphanet 140162, MedGen C0027672, MeSH D009386, MONDO:0015356.
Hereditary breast ovarian cancer syndrome. Also called: Hereditary breast and ovarian cancer syndrome (HBOC); Breast and ovarian cancer; BRCA1- and BRCA2-Associated Hereditary Breast and Ovarian Cancer; Hereditary breast and/or ovarian cancer syndrome; Hereditary breast and ovarian cancer syndrome; Hereditary breast and ovarian cancer. Identifiers: Orphanet 145, MedGen C0677776, MeSH D061325, MONDO:0003582. Disease mechanism: loss of function.

Submissions (4):

Ambry Genetics
Classification: Uncertain significance for Hereditary cancer-predisposing syndrome. Last evaluated: 2024-07-28. Review status: criteria provided, single submitter. Criteria: Ambry Variant Classification Scheme 2023. Collection method: clinical testing. Allele origin: germline.
Comment: The p.G394D variant (also known as c.1181G>A), located in coding exon 9 of the BRCA1 gene, results from a G to A substitution at nucleotide position 1181. The glycine at codon 394 is replaced by aspartic acid, an amino acid with similar properties. This amino acid position is poorly conserved in available vertebrate species. In addition, the in silico prediction for this alteration is inconclusive. Since supporting evidence is limited at this time, the clinical significance of this alteration remains unclear.

University of Washington Department of Laboratory Medicine, University of Washington
Classification: Likely benign for Hereditary cancer-predisposing syndrome. Last evaluated: 2023-03-23. Review status: criteria provided, single submitter. Criteria: Dines et al. (Genet Med. 2020). Collection method: curation. Allele origin: germline.
Comment: Missense variant in a coldspot region where missense variants are very unlikely to be pathogenic (PMID:31911673).

BRCA1 coldspot (exon 11 using historical exon numbering). Reclassification based on statistical prior probability

Department of Pathology and Laboratory Medicine, Sinai Health System
Classification: Uncertain significance for Familial pancreatic carcinoma. Last evaluated: 2023-02-27. Review status: criteria provided, single submitter. Criteria: ACMG Guidelines, 2015. Collection method: clinical testing. Allele origin: germline. Affected: yes.

Labcorp Genetics (formerly Invitae), Labcorp
Classification: Uncertain significance for Hereditary breast ovarian cancer syndrome. Last evaluated: 2022-03-06. Review status: criteria provided, single submitter. Criteria: Invitae Variant Classification Sherloc (09022015). Collection method: clinical testing. Allele origin: germline.
Comment: This sequence change replaces glycine, which is neutral and non-polar, with aspartic acid, which is acidic and polar, at codon 394 of the BRCA1 protein (p.Gly394Asp). In summary, the available evidence is currently insufficient to determine the role of this variant in disease. Therefore, it has been classified as a Variant of Uncertain Significance. Advanced modeling of protein sequence and biophysical properties (such as structural, functional, and spatial information, amino acid conservation, physicochemical variation, residue mobility, and thermodynamic stability) performed at Invitae indicates that this missense variant is not expected to disrupt BRCA1 protein function. ClinVar contains an entry for this variant (Variation ID: 818516). This variant has not been reported in the literature in individuals affected with BRCA1-related conditions. This variant is not present in population databases (gnomAD no frequency).

NM_007294.4(BRCA1):c.1181G>A (p.Gly394Asp)

Gene: BRCA1 (BRCA1 DNA repair associated; minus strand). Cytogenetic location: 17q21.31.
Variant type: single nucleotide variant.
Coding change: c.1181G>A on transcript NM_007294.4 (MANE Select); coding-DNA position 1181, G replaced by A.
Protein change: p.Gly394Asp; replaces glycine 394 with aspartic acid.
Molecular consequence: missense variant. On other transcripts: intron variant (137).
Genome position (GRCh38, 1-based): chr17:43,094,350, C>T on the plus strand (G>A on the coding strand, the complement: BRCA1 is on the minus strand). VCF-style: chr17-43094350-C-T. GRCh37 (hg19) VCF-style: chr17-41246367-C-T.
Other names: c.1037G>A, p.Gly346Asp (NM_001407744.1, NM_001407745.1, NM_001407746.1 and 20 more transcripts); c.664+394G>A (NM_001408442.1, NM_001408426.1, NM_001408436.1 and 12 more transcripts); c.787+394G>A (NM_001407982.1, NM_001407970.1, NM_001407980.1 and 19 more transcripts); c.1040G>A, p.Gly347Asp (NM_001407750.1, NM_001407751.1, NM_001407752.1 and 29 more transcripts); c.968G>A, p.Gly323Asp (NM_001407571.1, NM_001407853.1, NM_001407894.1 and 9 more transcripts); c.1181G>A, p.Gly394Asp (NM_001407581.1, NM_001407582.1, NM_001407583.1 and 30 more transcripts); c.1178G>A, p.Gly393Asp (NM_001407587.1, NM_001407590.1, NM_001407591.1 and 22 more transcripts); c.1172G>A, p.Gly391Asp (NM_001407646.1, NM_001407647.1); and 40 more; short protein forms G394D, G347D, G323D, G324D, G327D, G346D, G352D, G353D.
Identifiers: ClinVar variation 818516 (VCV000818516.14), dbSNP rs1555592295, ClinGen allele CA10599689.